The following is an entry in ClinVar:

ClinVar aggregate classification (germline): Uncertain significance (1 of 4 stars; one submission).

Conditions:
RASopathy. Also called: rasopathies; Noonan spectrum disorder. Identifiers: Orphanet 536391, MedGen C5555857, MONDO:0021060.

Submission:

Labcorp Genetics (formerly Invitae), Labcorp
Classification: Uncertain significance for RASopathy. Last evaluated: 2023-06-25. Review status: criteria provided, single submitter. Criteria: Invitae Variant Classification Sherloc (09022015). Collection method: clinical testing. Allele origin: germline.
Comment: This sequence change results in a frameshift in the BRAF gene (p.Gly759Aspfs*13). While this is not anticipated to result in nonsense mediated decay, it is expected to disrupt the last 8 amino acid(s) of the BRAF protein and extend the protein by 4 additional amino acid residues. This variant is not present in population databases (gnomAD no frequency). This variant has not been reported in the literature in individuals affected with BRAF-related conditions. Experimental studies and prediction algorithms are not available or were not evaluated, and the functional significance of this variant is currently unknown. In summary, the available evidence is currently insufficient to determine the role of this variant in disease. Therefore, it has been classified as a Variant of Uncertain Significance.

NM_004333.6(BRAF):c.2276del (p.Gly759fs)

Gene: BRAF (B-Raf proto-oncogene, serine/threonine kinase; minus strand). Cytogenetic location: 7q34.
Variant type: Deletion.
Coding change: c.2276del on transcript NM_004333.6 (MANE Select); coding-DNA position 2276, one base deleted (G; older notation c.2276delG).
Protein change: p.Gly759fs; shifts the reading frame from glycine 759.
Molecular consequence: frameshift variant. On other transcripts: intron variant (2).
Genome position (GRCh38, 1-based): chr7:140,734,622, C deleted on the plus strand (G on the coding strand, the reverse complement: BRAF is on the minus strand); the first of 5 consecutive C bases (chr7:140,734,622-140,734,626); deleting any one gives the same sequence. VCF-style (leftmost placement, unchanged base first): chr7-140734621-TC-T. GRCh37 (hg19) VCF-style: chr7-140434421-TC-T.
Other names: c.2012del, p.Gly671fs (NM_001378475.1); c.2127+5190del (NM_001378474.1, NM_001378468.1); c.2276del, p.Gly759fs (NM_001354609.2); c.2396del, p.Gly799fs (NM_001374244.1, NM_001374258.1); c.2285del, p.Gly762fs (NM_001378467.1); c.2210del, p.Gly737fs (NM_001378469.1); c.2174del, p.Gly725fs (NM_001378470.1); c.2120del, p.Gly707fs (NM_001378473.1, NM_001378472.1); and 1 more; short protein forms G707fs, G722fs, G759fs, G671fs, G725fs, G737fs, G762fs, G799fs.
Identifiers: ClinVar variation 2728570 (VCV002728570.3), dbSNP rs2535893864, ClinGen allele CA2697557641.
Genomic context (GRCh38, chr7:140,734,621, plus strand): 5'-TGTTGCTACTCTCCTGAACTCTCTCACTCATTTGTTTCAGTGGACAGGAAACGCACCATA[TC>T]CCCCTGCCTGGATGGGTGTTTTTGGAGAAGCACAAGCATATAGACTAAAATCCTCTGTTT-3'